The following is an entry in ClinVar:

NM_032242.4(PLXNA1):c.66G>A (p.Pro22=)

Gene: PLXNA1 (plexin A1; plus strand). Cytogenetic location: 3q21.3.
Variant type: single nucleotide variant.
Coding change: c.66G>A on transcript NM_032242.4 (MANE Select); coding-DNA position 66, G replaced by A.
Protein change: p.Pro22=; no amino-acid change (proline 22 retained).
Molecular consequence: synonymous variant.
Genome position (GRCh38, 1-based): chr3:126,988,659, G>A. VCF-style: chr3-126988659-G-A. GRCh37 (hg19) VCF-style: chr3-126707502-G-A.
Identifiers: ClinVar variation 3052460 (VCV003052460.11), dbSNP rs375921132, ClinGen allele CA2592893.

ClinVar aggregate classification (germline): Benign/Likely benign. Review status: criteria provided, multiple submitters, no conflicts (2 of 4 stars). 3 submissions from 3 submitters: Benign (1); Likely benign (1). 1 of the submissions does not count toward it. Last evaluated 2025-09-01.

Conditions:
PLXNA1-related disorder. Also called: PLXNA1-related condition.

Allele frequency attached by ClinVar (database versions not stated): ExAC 0.00048; gnomAD 0.00052; ESP Exome Variant Server 0.00055; TOPMed 0.00059.
gnomAD v4.1: 776 of 1,578,662 alleles (0.049%); highest among the groups gnomAD compares: Non-Finnish European, 0.046%; 2 homozygotes.

Submissions (3):

CeGaT Center for Human Genetics Tuebingen
Classification: Likely benign. Last evaluated: 2025-09-01. Review status: criteria provided, single submitter. Criteria: CeGaT Center For Human Genetics Tuebingen Variant Classification Criteria Version 2. Collection method: clinical testing. Allele origin: germline. Affected: yes. Observed: 1 variant allele.
Comment: PLXNA1: BP4, BP7

Labcorp Genetics (formerly Invitae), Labcorp
Classification: Benign. Last evaluated: 2025-02-20. Review status: criteria provided, single submitter. Criteria: Invitae Variant Classification Sherloc (09022015). Collection method: clinical testing. Allele origin: germline.

PreventionGenetics, part of Exact Sciences
Classification: Likely benign for PLXNA1-related condition. Last evaluated: 2019-08-28. Review status: no assertion criteria provided. Collection method: clinical testing. Allele origin: germline. Not counted in ClinVar's aggregate classification.
Comment: This variant is classified as likely benign based on ACMG/AMP sequence variant interpretation guidelines (Richards et al. 2015 PMID: 25741868, with internal and published modifications).